The following is an entry in ClinVar:

NM_015272.5(RPGRIP1L):c.256G>C (p.Val86Leu)

Gene: RPGRIP1L (RPGRIP1 like; minus strand). Cytogenetic location: 16q12.2.
Variant type: single nucleotide variant.
Coding change: c.256G>C on transcript NM_015272.5 (MANE Select); coding-DNA position 256, G replaced by C.
Protein change: p.Val86Leu; replaces valine 86 with leucine.
Molecular consequence: missense variant.
Genome position (GRCh38, 1-based): chr16:53,692,339, C>G on the plus strand (G>C on the coding strand, the complement: RPGRIP1L is on the minus strand). VCF-style: chr16-53692339-C-G. GRCh37 (hg19) VCF-style: chr16-53726251-C-G.
Other names: c.256G>C, p.Val86Leu (NM_001127897.4, NM_001308334.3, NM_001330538.2); short protein forms V86L.
Identifiers: ClinVar variation 2015061 (VCV002015061.4), dbSNP rs149072900, ClinGen allele CA8058158.

ClinVar aggregate classification (germline): Uncertain significance (1 of 4 stars; one submission).

Conditions:
Joubert syndrome. Also called: CEREBELLOPARENCHYMAL DISORDER IV; JOUBERT-BOLTSHAUSER SYNDROME; Familial aplasia of the vermis. Identifiers: Orphanet 475, MedGen C5979921, MONDO:0018772.
Meckel-Gruber syndrome. Also called: DYSENCEPHALIA SPLANCHNOCYSTICA; GRUBER SYNDROME; Dysencephalia splachnocystica. Identifiers: Orphanet 564, MedGen C0265215, MONDO:0018921.

Submission:

Labcorp Genetics (formerly Invitae), Labcorp
Classification: Uncertain significance for Joubert syndrome; Meckel-Gruber syndrome. Last evaluated: 2022-10-24. Review status: criteria provided, single submitter. Criteria: Invitae Variant Classification Sherloc (09022015). Collection method: clinical testing. Allele origin: germline.
Comment: In summary, the available evidence is currently insufficient to determine the role of this variant in disease. Therefore, it has been classified as a Variant of Uncertain Significance. Advanced modeling of protein sequence and biophysical properties (such as structural, functional, and spatial information, amino acid conservation, physicochemical variation, residue mobility, and thermodynamic stability) performed at Invitae indicates that this missense variant is not expected to disrupt RPGRIP1L protein function. This variant has not been reported in the literature in individuals affected with RPGRIP1L-related conditions. This variant is present in population databases (rs149072900, gnomAD 0.006%). This sequence change replaces valine, which is neutral and non-polar, with leucine, which is neutral and non-polar, at codon 86 of the RPGRIP1L protein (p.Val86Leu).